The following is an entry in ClinVar:

ClinVar aggregate classification (germline): Likely benign. Review status: criteria provided, multiple submitters, no conflicts (2 of 4 stars). 2 submissions from 2 submitters: Likely benign (2). Last evaluated 2018-06-14.

Allele frequency attached by ClinVar (database versions not stated): 1000 Genomes Project 0.01917; 1000 Genomes Project 30x 0.01936; gnomAD 0.02284 and 0.02371; TOPMed 0.02346.
gnomAD v4.1: 23,950 of 1,348,676 alleles (1.8%); highest among the groups gnomAD compares: African/African-American, 3.8%; 245 homozygotes.

Submissions (2):

GeneDx
Classification: Likely benign. Last evaluated: 2018-06-14. Review status: criteria provided, single submitter. Criteria: GeneDx Variant Classification (06012015). Collection method: clinical testing. Allele origin: germline. Affected: yes.
Comment: This variant is considered likely benign or benign based on one or more of the following criteria: it is a conservative change, it occurs at a poorly conserved position in the protein, it is predicted to be benign by multiple in silico algorithms, and/or has population frequency not consistent with disease.

Breakthrough Genomics
Classification: Likely benign. Review status: criteria provided, single submitter. Criteria: ACMG Guidelines, 2015. Collection method: not provided. Allele origin: germline. Inheritance: Autosomal recessive inheritance. Affected: yes.

NM_000090.4(COL3A1):c.691-76G>A

Gene: COL3A1 (collagen type III alpha 1 chain; plus strand). Cytogenetic location: 2q32.2.
Variant type: single nucleotide variant.
Coding change: c.691-76G>A on transcript NM_000090.4 (MANE Select); 76 bases into the intron before coding-DNA position 691, G replaced by A.
Molecular consequence: intron variant.
Genome position (GRCh38, 1-based): chr2:188,990,020, G>A. VCF-style: chr2-188990020-G-A. GRCh37 (hg19) VCF-style: chr2-189854746-G-A.
Identifiers: ClinVar variation 671054 (VCV000671054.2), dbSNP rs41272817, ClinGen allele CA62590105.